The following is an entry in ClinVar:

ClinVar aggregate classification (germline): Pathogenic (1 of 4 stars; one submission).

Submission:

GeneDx
Classification: Pathogenic. Last evaluated: 2025-03-14. Review status: criteria provided, single submitter. Criteria: GeneDx Variant Classification Process June 2021. Collection method: clinical testing. Allele origin: germline. Affected: yes.
Comment: Frameshift variant predicted to result in protein truncation or nonsense mediated decay in a gene for which loss of function is a known mechanism of disease; Not observed at significant frequency in large population cohorts (gnomAD); Has not been previously published as pathogenic or benign to our knowledge

NM_000548.5(TSC2):c.243_244del (p.Trp82fs)

Gene: TSC2 (TSC complex subunit 2; plus strand). Cytogenetic location: 16p13.3.
Variant type: Microsatellite.
Coding change: c.243_244del on transcript NM_000548.5 (MANE Select); coding-DNA positions 243 to 244, 2 bases deleted (CT; older notation c.243_244delCT).
Protein change: p.Trp82fs; shifts the reading frame from tryptophan 82.
Molecular consequence: frameshift variant. On other transcripts: intron variant (9), 5 prime UTR variant (14), non-coding transcript variant (5).
Genome position (GRCh38, 1-based): chr16:2,053,359-2,053,360, CT deleted; deleting any 2 consecutive bases within chr16:2,053,357-2,053,360 gives the same sequence; the c. name uses the placement nearest the transcript's 3' end. VCF-style (leftmost placement, unchanged base first): chr16-2053356-ACT-A. GRCh37 (hg19) VCF-style: chr16-2103357-ACT-A.
Other names: c.-1-2837_-1-2836del (NM_001406686.1, NM_001406682.1, NM_001406684.1 and 3 more transcripts); c.-1191CT[1] (NM_001406692.1, NM_001406697.1, NM_001406689.1 and 2 more transcripts); c.-1497CT[1] (NM_001406693.1); c.-1072CT[1] (NM_001406694.1, NM_001406695.1); c.-1179CT[1] (NM_001406696.1); c.-1367CT[1] (NM_001406698.1); c.243_244del, p.Trp82fs (NM_021055.3, NM_001077183.3, NM_001114382.3 and 10 more transcripts); c.226-937_226-936del (NM_001406670.1, NM_001318827.2, NM_001406678.1); and 6 more; short protein forms W33fs, W82fs, W93fs.
Identifiers: ClinVar variation 4088202 (VCV004088202.1).